The following is an entry in ClinVar:

ClinVar aggregate classification (germline): Uncertain significance (1 of 4 stars; one submission).

Conditions:
Benign neonatal seizures. Also called: Benign familial neonatal seizures; Benign neonatal familial convulsions; Convulsions benign familial neonatal dominant form; Autosomal dominant form of benign neonatal seizures; Benign familial neonatal epilepsy. Identifiers: Orphanet 1949, MedGen C0220669, MONDO:0016027.

Submission:

Labcorp Genetics (formerly Invitae), Labcorp
Classification: Uncertain significance for Benign neonatal seizures. Last evaluated: 2024-02-17. Review status: criteria provided, single submitter. Criteria: Invitae Variant Classification Sherloc (09022015). Collection method: clinical testing. Allele origin: germline.
Comment: This sequence change creates a premature translational stop signal (p.Ser664Profs*17) in the KCNQ3 gene. While this is not anticipated to result in nonsense mediated decay, it is expected to disrupt the last 209 amino acid(s) of the KCNQ3 protein. This variant is not present in population databases (gnomAD no frequency). This variant has not been reported in the literature in individuals affected with KCNQ3-related conditions. ClinVar contains an entry for this variant (Variation ID: 1446628). Experimental studies and prediction algorithms are not available or were not evaluated, and the functional significance of this variant is currently unknown. In summary, the available evidence is currently insufficient to determine the role of this variant in disease. Therefore, it has been classified as a Variant of Uncertain Significance.

NM_004519.4(KCNQ3):c.1989del (p.Ser664fs)

Gene: KCNQ3 (potassium voltage-gated channel subfamily Q member 3; minus strand). Cytogenetic location: 8q24.22.
Variant type: Deletion.
Coding change: c.1989del on transcript NM_004519.4 (MANE Select); coding-DNA position 1989, one base deleted (C; older notation c.1989delC).
Protein change: p.Ser664fs; shifts the reading frame from serine 664.
Molecular consequence: frameshift variant.
Genome position (GRCh38, 1-based): chr8:132,129,892, G deleted on the plus strand (C on the coding strand, the reverse complement: KCNQ3 is on the minus strand); the first of 2 consecutive G bases (chr8:132,129,892-132,129,893); deleting either gives the same sequence. VCF-style (leftmost placement, unchanged base first): chr8-132129891-AG-A. GRCh37 (hg19) VCF-style: chr8-133142138-AG-A.
Other names: c.1629del, p.Ser544fs (NM_001204824.2); short protein forms S544fs, S664fs.
Identifiers: ClinVar variation 1446628 (VCV001446628.6), dbSNP rs2130924080, ClinGen allele CA2573142863.